The following is an entry in ClinVar:

ClinVar aggregate classification (germline): Uncertain significance (1 of 4 stars; one submission).

Conditions:
Primary ciliary dyskinesia. Also called: Ciliary dyskinesia. Identifiers: Orphanet 244, MedGen C0008780, MONDO:0016575, HP:0012265.

Allele frequency attached by ClinVar (database versions not stated): gnomAD exomes below 0.00001; ExAC 0.00001.

Submission:

Labcorp Genetics (formerly Invitae), Labcorp
Classification: Uncertain significance for Primary ciliary dyskinesia. Last evaluated: 2019-07-06. Review status: criteria provided, single submitter. Criteria: Invitae Variant Classification Sherloc (09022015). Collection method: clinical testing. Allele origin: germline.
Comment: In summary, the available evidence is currently insufficient to determine the role of this variant in disease. Therefore, it has been classified as a Variant of Uncertain Significance. Algorithms developed to predict the effect of missense changes on protein structure and function (SIFT, PolyPhen-2, Align-GVGD) all suggest that this variant is likely to be tolerated, but these predictions have not been confirmed by published functional studies and their clinical significance is uncertain. This sequence change replaces threonine with alanine at codon 3359 of the DNAH11 protein (p.Thr3359Ala). The threonine residue is moderately conserved and there is a small physicochemical difference between threonine and alanine. This variant is present in population databases (rs754609932, ExAC 0.007%). This variant has not been reported in the literature in individuals with DNAH11-related conditions.

NM_001277115.2(DNAH11):c.10075A>G (p.Thr3359Ala)

Gene: DNAH11 (dynein axonemal heavy chain 11; plus strand). Cytogenetic location: 7p15.3.
Variant type: single nucleotide variant.
Coding change: c.10075A>G on transcript NM_001277115.2 (MANE Select); coding-DNA position 10075, A replaced by G.
Protein change: p.Thr3359Ala; replaces threonine 3359 with alanine.
Molecular consequence: missense variant.
Genome position (GRCh38, 1-based): chr7:21,801,185, A>G. VCF-style: chr7-21801185-A-G. GRCh37 (hg19) VCF-style: chr7-21840803-A-G.
Other names: short protein forms T3359A.
Identifiers: ClinVar variation 855689 (VCV000855689.10), dbSNP rs754609932, ClinGen allele CA4182224.